The following is an entry in ClinVar:

NM_000043.6(FAS):c.379T>G (p.Cys127Gly)

Gene: FAS (Fas cell surface death receptor; plus strand). Cytogenetic location: 10q23.31.
Variant type: single nucleotide variant.
Coding change: c.379T>G on transcript NM_000043.6 (MANE Select); coding-DNA position 379, T replaced by G.
Protein change: p.Cys127Gly; replaces cysteine 127 with glycine.
Molecular consequence: missense variant. On other transcripts: non-coding transcript variant (1).
Genome position (GRCh38, 1-based): chr10:89,008,933, T>G. VCF-style: chr10-89008933-T-G. GRCh37 (hg19) VCF-style: chr10-90768690-T-G.
Other names: c.379T>G, p.Cys127Gly (NM_001320619.2, NM_152871.4, NM_152872.4); short protein forms C127G.
Identifiers: ClinVar variation 1445851 (VCV001445851.6), dbSNP rs1848386782, ClinGen allele CA377508637.
Genomic context (GRCh38, chr10:89,008,933, plus strand): 5'-CAAACTGATTTTCTAGGCTTAGAAGTGGAAATAAACTGCACCCGGACCCAGAATACCAAG[T>G]GCAGATGTAAACCAAACTTTTTTTGTAACTCTACTGTATGTGAACACTGTGACCCTTGCA-3'
Protein context (NP_000034.1, residues 117-137): INCTRTQNTK[Cys127Gly]RCKPNFFCNS

ClinVar aggregate classification (germline): Uncertain significance (1 of 4 stars; one submission).

Conditions:
Autoimmune lymphoproliferative syndrome type 1. Also called: AUTOIMMUNE LYMPHOPROLIFERATIVE SYNDROME, TYPE I, AUTOSOMAL DOMINANT. Identifiers: Orphanet 3261, MedGen C2717884, MONDO:0011158, OMIM 601859.

Allele frequency attached by ClinVar (database versions not stated): TOPMed below 0.00001; gnomAD 0.00001.
gnomAD v4.1: 1 of 1,613,928 alleles (0.000062%); highest among the groups gnomAD compares: Non-Finnish European, 0.000085%; no homozygotes.

Submission:

Labcorp Genetics (formerly Invitae), Labcorp
Classification: Uncertain significance for Autoimmune lymphoproliferative syndrome. Last evaluated: 2022-11-22. Review status: criteria provided, single submitter. Criteria: Invitae Variant Classification Sherloc (09022015). Collection method: clinical testing. Allele origin: germline.
Comment: In summary, the available evidence is currently insufficient to determine the role of this variant in disease. Therefore, it has been classified as a Variant of Uncertain Significance. Advanced modeling of protein sequence and biophysical properties (such as structural, functional, and spatial information, amino acid conservation, physicochemical variation, residue mobility, and thermodynamic stability) performed at Invitae indicates that this missense variant is expected to disrupt FAS protein function. ClinVar contains an entry for this variant (Variation ID: 1445851). This variant has not been reported in the literature in individuals affected with FAS-related conditions. This variant is not present in population databases (gnomAD no frequency). This sequence change replaces cysteine, which is neutral and slightly polar, with glycine, which is neutral and non-polar, at codon 127 of the FAS protein (p.Cys127Gly).